The following is an entry in ClinVar:

NM_152559.3(METTL27):c.618C>T (p.Thr206=)

Gene: METTL27 (methyltransferase like 27; minus strand). Cytogenetic location: 7q11.23.
Variant type: single nucleotide variant.
Coding change: c.618C>T on transcript NM_152559.3 (MANE Select); coding-DNA position 618, C replaced by T.
Protein change: p.Thr206=; no amino-acid change (threonine 206 retained).
Molecular consequence: synonymous variant.
Genome position (GRCh38, 1-based): chr7:73,834,863, G>A on the plus strand (C>T on the coding strand, the complement: METTL27 is on the minus strand). VCF-style: chr7-73834863-G-A. GRCh37 (hg19) VCF-style: chr7-73249193-G-A.
Identifiers: ClinVar variation 3395356 (VCV003395356.7).

ClinVar aggregate classification (germline): Likely benign. Review status: criteria provided, multiple submitters, no conflicts (2 of 4 stars). 2 submissions from 2 submitters: Likely benign (2). Last evaluated 2025-10-01.

gnomAD v4.1: 227 of 1,611,424 alleles (0.014%); highest among the groups gnomAD compares: Non-Finnish European, 0.017%; no homozygotes.

Submissions (2):

CeGaT Center for Human Genetics Tuebingen
Classification: Likely benign. Last evaluated: 2025-10-01. Review status: criteria provided, single submitter. Criteria: CeGaT Center For Human Genetics Tuebingen Variant Classification Criteria Version 2. Collection method: clinical testing. Allele origin: germline. Affected: yes. Observed: 1 variant allele.
Comment: METTL27: BP4

Ambry Genetics
Classification: Likely benign. Last evaluated: 2024-06-28. Review status: criteria provided, single submitter. Criteria: Ambry Variant Classification Scheme 2023. Collection method: clinical testing. Allele origin: germline.